The following is an entry in ClinVar:

ClinVar aggregate classification (germline): Uncertain significance (1 of 4 stars; one submission).

Conditions:
Familial hemophagocytic lymphohistiocytosis 3 (FHL3). Also called: UNC13D-Related Familial Hemophagocytic Lymphohistiocytosis (UNC13D-fHLH). Identifiers: Orphanet 540, MedGen C1837174, MONDO:0012146, OMIM 608898.

Allele frequency attached by ClinVar (database versions not stated): ExAC 0.00002; gnomAD 0.00002; 1000 Genomes Project 0.00040; 1000 Genomes Project 30x 0.00047.
gnomAD v4.1: 8 of 1,613,584 alleles (0.0005%); highest among the groups gnomAD compares: African/African-American, 0.0093%; no homozygotes.

Submission:

Labcorp Genetics (formerly Invitae), Labcorp
Classification: Uncertain significance for Familial hemophagocytic lymphohistiocytosis 3. Last evaluated: 2025-02-24. Review status: criteria provided, single submitter. Criteria: Invitae Variant Classification Sherloc (09022015). Collection method: clinical testing. Allele origin: germline.
Comment: This sequence change replaces histidine, which is basic and polar, with glutamine, which is neutral and polar, at codon 301 of the UNC13D protein (p.His301Gln). This variant is present in population databases (rs544643767, gnomAD 0.02%). This variant has not been reported in the literature in individuals affected with UNC13D-related conditions. ClinVar contains an entry for this variant (Variation ID: 1434959). Invitae Evidence Modeling of protein sequence and biophysical properties (such as structural, functional, and spatial information, amino acid conservation, physicochemical variation, residue mobility, and thermodynamic stability) indicates that this missense variant is not expected to disrupt UNC13D protein function with a negative predictive value of 80%. In summary, the available evidence is currently insufficient to determine the role of this variant in disease. Therefore, it has been classified as a Variant of Uncertain Significance.

NM_199242.3(UNC13D):c.903C>A (p.His301Gln)

Gene: UNC13D (unc-13 homolog D; minus strand). Cytogenetic location: 17q25.1.
Variant type: single nucleotide variant.
Coding change: c.903C>A on transcript NM_199242.3 (MANE Select); coding-DNA position 903, C replaced by A.
Protein change: p.His301Gln; replaces histidine 301 with glutamine.
Molecular consequence: missense variant.
Genome position (GRCh38, 1-based): chr17:75,840,066, G>T on the plus strand (C>A on the coding strand, the complement: UNC13D is on the minus strand). VCF-style: chr17-75840066-G-T. GRCh37 (hg19) VCF-style: chr17-73836147-G-T.
Other names: short protein forms H301Q.
Identifiers: ClinVar variation 1434959 (VCV001434959.6), dbSNP rs544643767, ClinGen allele CA8773213.
Genomic context (GRCh38, chr17:75,840,066, plus strand): 5'-GGAGGGCAATACCTCGTGCTGGGTGACCTCGTGGGACACAAGCTGCTGCAGGAGGTGGAG[G>T]TGCACGGTGTAGCTCGGCTGCGAGCGGCTGGCCGAAGTGGCTCTCTGCAATGAGGCCTCT-3'
Protein context (NP_954712.1, residues 291-311): ASRSQPSYTV[His301Gln]LHLLQQLVSH